The following is an entry in ClinVar:

NM_001008537.3(NEXMIF):c.804_807del (p.Ser268fs)

Gene: NEXMIF (neurite extension and migration factor; minus strand). Cytogenetic location: Xq13.3.
Variant type: Deletion.
Coding change: c.804_807del on transcript NM_001008537.3 (MANE Select); coding-DNA positions 804 to 807, 4 bases deleted (TAAG; older notation c.804_807delTAAG).
Protein change: p.Ser268fs; shifts the reading frame from serine 268.
Molecular consequence: frameshift variant.
Genome position (GRCh38, 1-based): chrX:74,743,750-74,743,753, CTTA deleted on the plus strand (TAAG on the coding strand, the reverse complement: NEXMIF is on the minus strand); deleting any 4 consecutive bases within chrX:74,743,750-74,743,756 gives the same sequence; the c. name uses the placement nearest the transcript's 3' end. VCF-style (leftmost placement, unchanged base first): chrX-74743749-TCTTA-T. GRCh37 (hg19) VCF-style: chrX-73963584-TCTTA-T.
Other names: short protein forms S268fs.
Identifiers: ClinVar variation 845041 (VCV000845041.9), dbSNP rs2080116341, ClinGen allele CA916083967.

ClinVar aggregate classification (germline): Pathogenic (1 of 4 stars; one submission).

Submission:

Labcorp Genetics (formerly Invitae), Labcorp
Classification: Pathogenic. Last evaluated: 2024-06-04. Review status: criteria provided, single submitter. Criteria: Invitae Variant Classification Sherloc (09022015). Collection method: clinical testing. Allele origin: germline.
Comment: This sequence change creates a premature translational stop signal (p.Ser268Argfs*35) in the NEXMIF gene. It is expected to result in an absent or disrupted protein product. Loss-of-function variants in NEXMIF are known to be pathogenic (PMID: 23615299). This variant is not present in population databases (gnomAD no frequency). This variant has not been reported in the literature in individuals affected with NEXMIF-related conditions. ClinVar contains an entry for this variant (Variation ID: 845041). For these reasons, this variant has been classified as Pathogenic.

Literature cited by the submitters: PubMed 23615299.